The following is an entry in ClinVar:

NM_016219.5(MAN1B1):c.2039G>C (p.Ser680Thr)

Gene: MAN1B1 (mannosidase alpha class 1B member 1; plus strand). Cytogenetic location: 9q34.3.
Variant type: single nucleotide variant.
Coding change: c.2039G>C on transcript NM_016219.5 (MANE Select); coding-DNA position 2039, G replaced by C.
Protein change: p.Ser680Thr; replaces serine 680 with threonine.
Molecular consequence: missense variant. On other transcripts: non-coding transcript variant (2).
Genome position (GRCh38, 1-based): chr9:137,108,530, G>C. VCF-style: chr9-137108530-G-C. GRCh37 (hg19) VCF-style: chr9-140002982-G-C.
Other names: c.1931G>C, p.Ser644Thr (NM_007230.1); c.2039G>C (NM_016219.4); short protein forms S644T, S680T.
Identifiers: ClinVar variation 1784859 (VCV001784859.5), dbSNP rs138279784, ClinGen allele CA5359545.
Genomic context (GRCh38, chr9:137,108,530, plus strand): 5'-TCCTGGGGGAGACGCTCAAGTATCTGTTCTTGCTCTTCTCCGATGACCCAAACCTGCTCA[G>C]CCTGGATGCCTACGTGTTCAACACCGAAGCCCACCCTCTGCCTATCTGGACCCCTGCCTA-3'
Protein context (NP_057303.2, residues 670-690): LLFSDDPNLL[Ser680Thr]LDAYVFNTEA

ClinVar aggregate classification (germline): Uncertain significance. Review status: criteria provided, multiple submitters, no conflicts (2 of 4 stars). 3 submissions from 3 submitters: Uncertain significance (2). 1 of the submissions does not count toward it. Last evaluated 2022-07-19.

Conditions:
Inborn genetic diseases. Identifiers: MedGen C0950123, MeSH D030342.
MAN1B1-related disorder. Also called: MAN1B1-related condition; MAN1B1-related disorders.
Rafiq syndrome (RAFQS). Identifiers: Orphanet 88616, MedGen C3280127, MONDO:0013624, OMIM 614202.

Allele frequency attached by ClinVar (database versions not stated): gnomAD exomes 0.00004; ExAC 0.00014; 1000 Genomes Project 30x 0.00031; 1000 Genomes Project 0.00040; ESP Exome Variant Server 0.00046; gnomAD 0.00049; TOPMed 0.00051.
gnomAD v4.1: 133 of 1,613,990 alleles (0.0082%); highest among the groups gnomAD compares: African/African-American, 0.17%; no homozygotes.

Submissions (3):

Labcorp Genetics (formerly Invitae), Labcorp
Classification: Uncertain significance for Rafiq syndrome. Last evaluated: 2022-07-19. Review status: criteria provided, single submitter. Criteria: Invitae Variant Classification Sherloc (09022015). Collection method: clinical testing. Allele origin: germline.
Comment: This sequence change replaces serine, which is neutral and polar, with threonine, which is neutral and polar, at codon 680 of the MAN1B1 protein (p.Ser680Thr). This variant is present in population databases (rs138279784, gnomAD 0.2%). This variant has not been reported in the literature in individuals affected with MAN1B1-related conditions. Algorithms developed to predict the effect of missense changes on protein structure and function (SIFT, PolyPhen-2, Align-GVGD) all suggest that this variant is likely to be tolerated. In summary, the available evidence is currently insufficient to determine the role of this variant in disease. Therefore, it has been classified as a Variant of Uncertain Significance.

Ambry Genetics
Classification: Uncertain significance for Inborn genetic diseases. Last evaluated: 2019-12-30. Review status: criteria provided, single submitter. Criteria: Ambry Variant Classification Scheme 2023. Collection method: clinical testing. Allele origin: germline.
Comment: The p.S680T variant (also known as c.2039G>C), located in coding exon 13 of the MAN1B1 gene, results from a G to C substitution at nucleotide position 2039. The serine at codon 680 is replaced by threonine, an amino acid with similar properties. This amino acid position is not well conserved in available vertebrate species. In addition, this alteration is predicted to be tolerated by in silico analysis. Since supporting evidence is limited at this time, the clinical significance of this alteration remains unclear.

PreventionGenetics, part of Exact Sciences
Classification: Likely benign for MAN1B1-related condition. Last evaluated: 2024-03-14. Review status: no assertion criteria provided. Collection method: clinical testing. Allele origin: germline. Not counted in ClinVar's aggregate classification.
Comment: This variant is classified as likely benign based on ACMG/AMP sequence variant interpretation guidelines (Richards et al. 2015 PMID: 25741868, with internal and published modifications).